The following is an entry in ClinVar:

ClinVar aggregate classification (germline): Uncertain significance (1 of 4 stars; one submission).

Conditions:
Developmental and epileptic encephalopathy, 42 (DEE42A). Also called: Epileptic encephalopathy, early infantile, 42; DEVELOPMENTAL AND EPILEPTIC ENCEPHALOPATHY 42A; EPILEPTIC ENCEPHALOPATHY, EARLY INFANTILE, 42A. Identifiers: MedGen C4310716, MONDO:0014917, OMIM 617106.
Episodic ataxia type 2 (EA2). Also called: ACETAZOLAMIDE-RESPONSIVE HEREDITARY PAROXYSMAL CEREBELLAR ATAXIA; ATAXIA, EPISODIC, WITH NYSTAGMUS; ATAXIA, FAMILIAL PAROXYSMAL; CEREBELLAR ATAXIA, PAROXYSMAL, ACETAZOLAMIDE-RESPONSIVE; CEREBELLOPATHY, HEREDITARY PAROXYSMAL; EPISODIC ATAXIA, NYSTAGMUS-ASSOCIATED. Identifiers: Orphanet 97, MedGen C1720416, MONDO:0007163, OMIM 108500.

Allele frequency attached by ClinVar (database versions not stated): gnomAD 0.00001; gnomAD exomes 0.00001; TOPMed 0.00001.
gnomAD v4.1: 13 of 1,519,516 alleles (0.00086%); highest among the groups gnomAD compares: Non-Finnish European, 0.0012%; no homozygotes.

Submission:

Labcorp Genetics (formerly Invitae), Labcorp
Classification: Uncertain significance for Developmental and epileptic encephalopathy, 42; Episodic ataxia type 2. Last evaluated: 2024-01-07. Review status: criteria provided, single submitter. Criteria: Invitae Variant Classification Sherloc (09022015). Collection method: clinical testing. Allele origin: germline.
Comment: This sequence change replaces leucine, which is neutral and non-polar, with proline, which is neutral and non-polar, at codon 2018 of the CACNA1A protein (p.Leu2018Pro). This variant is not present in population databases (gnomAD no frequency). This variant has not been reported in the literature in individuals affected with CACNA1A-related conditions. ClinVar contains an entry for this variant (Variation ID: 1008346). An algorithm developed to predict the effect of missense changes on protein structure and function (PolyPhen-2) suggests that this variant is likely to be disruptive. In summary, the available evidence is currently insufficient to determine the role of this variant in disease. Therefore, it has been classified as a Variant of Uncertain Significance.

NM_001127222.2(CACNA1A):c.6050T>C (p.Leu2017Pro)

Gene: CACNA1A (calcium voltage-gated channel subunit alpha1 A; minus strand). Cytogenetic location: 19p13.13.
Variant type: single nucleotide variant.
Coding change: c.6050T>C on transcript NM_001127222.2 (MANE Select); coding-DNA position 6050, T replaced by C.
Protein change: p.Leu2017Pro; replaces leucine 2017 with proline.
Molecular consequence: missense variant.
Genome position (GRCh38, 1-based): chr19:13,212,631, A>G on the plus strand (T>C on the coding strand, the complement: CACNA1A is on the minus strand). VCF-style: chr19-13212631-A-G. GRCh37 (hg19) VCF-style: chr19-13323445-A-G.
Other names: c.6068T>C, p.Leu2023Pro (NM_000068.4, NM_023035.3); c.6053T>C, p.Leu2018Pro (NM_001127221.2); c.6059T>C, p.Leu2020Pro (NM_001174080.2); short protein forms L2017P, L2018P, L2020P, L2023P.
Identifiers: ClinVar variation 1008346 (VCV001008346.9), dbSNP rs774375692, ClinGen allele CA305551103.
Genomic context (GRCh38, chr19:13,212,631, plus strand): 5'-CCAGAACGTGGGGACCACGGCACCCCCACACTCCACCTCCCTGGCAGGGGTGACACTCAC[A>G]GGGCTCCTCCTGGGTCCAGCTGGGTGGAGGGGAGGGCGTTCTGGCCAGGTCCCCCTTCCT-3'
Protein context (NP_001120694.1, residues 2007-2027): PSTQLDPGGA[Leu2017Pro]MAHESGLKES